The following is an entry in ClinVar:

NM_025132.4(WDR19):c.2167G>C (p.Ala723Pro)

Gene: WDR19 (WD repeat domain 19; plus strand). Cytogenetic location: 4p14.
Variant type: single nucleotide variant.
Coding change: c.2167G>C on transcript NM_025132.4 (MANE Select); coding-DNA position 2167, G replaced by C.
Protein change: p.Ala723Pro; replaces alanine 723 with proline.
Molecular consequence: missense variant.
Genome position (GRCh38, 1-based): chr4:39,232,186, G>C. VCF-style: chr4-39232186-G-C. GRCh37 (hg19) VCF-style: chr4-39233806-G-C.
Other names: c.1687G>C, p.Ala563Pro (NM_001317924.2); short protein forms A563P, A723P.
Identifiers: ClinVar variation 1382270 (VCV001382270.6), dbSNP rs2109368181, ClinGen allele CA356634865.

ClinVar aggregate classification (germline): Uncertain significance (1 of 4 stars; one submission).

Conditions:
Asphyxiating thoracic dystrophy 5 (SRTD5). Also called: SHORT-RIB THORACIC DYSPLASIA 5 WITH OR WITHOUT POLYDACTYLY; SHORT-RIB THORACIC DYSPLASIA 5 WITHOUT POLYDACTYLY. Identifiers: Orphanet 474, MedGen C3280598, MONDO:0013717, OMIM 614376.
Senior-Loken syndrome 8 (SLSN8). Identifiers: Orphanet 3156, MedGen C4225376, MONDO:0014579, OMIM 616307.

Submission:

Labcorp Genetics (formerly Invitae), Labcorp
Classification: Uncertain significance for Senior-Loken syndrome 8; Asphyxiating thoracic dystrophy 5. Last evaluated: 2024-03-04. Review status: criteria provided, single submitter. Criteria: Invitae Variant Classification Sherloc (09022015). Collection method: clinical testing. Allele origin: germline.
Comment: This sequence change replaces alanine, which is neutral and non-polar, with proline, which is neutral and non-polar, at codon 723 of the WDR19 protein (p.Ala723Pro). This variant is not present in population databases (gnomAD no frequency). This variant has not been reported in the literature in individuals affected with WDR19-related conditions. ClinVar contains an entry for this variant (Variation ID: 1382270). Advanced modeling of protein sequence and biophysical properties (such as structural, functional, and spatial information, amino acid conservation, physicochemical variation, residue mobility, and thermodynamic stability) has been performed at Invitae for this missense variant, however the output from this modeling did not meet the statistical confidence thresholds required to predict the impact of this variant on WDR19 protein function. In summary, the available evidence is currently insufficient to determine the role of this variant in disease. Therefore, it has been classified as a Variant of Uncertain Significance.